The following is an entry in ClinVar:

ClinVar aggregate classification (germline): Likely benign. Review status: criteria provided, multiple submitters, no conflicts (2 of 4 stars). 2 submissions from 2 submitters: Likely benign (2). Last evaluated 2024-05-31.

Conditions:
Early-infantile DEE. Also called: Early infantile epileptic encephalopathy with suppression bursts; Early infantile epileptic encephalopathy; Ohtahara syndrome. Identifiers: Orphanet 1934, MedGen C0393706, MONDO:0800491.

Submissions (2):

Labcorp Genetics (formerly Invitae), Labcorp
Classification: Likely benign for Early-infantile DEE. Last evaluated: 2024-05-31. Review status: criteria provided, single submitter. Criteria: Invitae Variant Classification Sherloc (09022015). Collection method: clinical testing. Allele origin: germline.

GeneDx
Classification: Likely benign. Last evaluated: 2016-01-19. Review status: criteria provided, single submitter. Criteria: GeneDx Variant Classification (06012015). Collection method: clinical testing. Allele origin: germline. Affected: yes.
Comment: This variant is considered likely benign or benign based on one or more of the following criteria: it is a conservative change, it occurs at a poorly conserved position in the protein, it is predicted to be benign by multiple in silico algorithms, and/or has population frequency not consistent with disease.

NM_172107.4(KCNQ2):c.1909C>T (p.Leu637=)

Gene: KCNQ2 (potassium voltage-gated channel subfamily Q member 2; minus strand). Cytogenetic location: 20q13.33.
Variant type: single nucleotide variant.
Coding change: c.1909C>T on transcript NM_172107.4 (MANE Select); coding-DNA position 1909, C replaced by T.
Protein change: p.Leu637=; no amino-acid change (leucine 637 retained).
Molecular consequence: synonymous variant.
Genome position (GRCh38, 1-based): chr20:63,407,354, G>A on the plus strand (C>T on the coding strand, the complement: KCNQ2 is on the minus strand). VCF-style: chr20-63407354-G-A. GRCh37 (hg19) VCF-style: chr20-62038707-G-A.
Other names: c.1825C>T, p.Leu609= (NM_004518.6); c.1855C>T, p.Leu619= (NM_172106.3); c.1816C>T, p.Leu606= (NM_172108.5).
Identifiers: ClinVar variation 383260 (VCV000383260.3), dbSNP rs1057521568, ClinGen allele CA16608416.